The following is an entry in ClinVar:

ClinVar aggregate classification (germline): Uncertain significance. Review status: criteria provided, multiple submitters, no conflicts (2 of 4 stars). 2 submissions from 2 submitters: Uncertain significance (2). Last evaluated 2025-03-07.

Conditions:
Inborn genetic diseases. Identifiers: MedGen C0950123, MeSH D030342.
NR3C1-related disorder. Also called: NR3C1-related condition.

Submissions (2):

Ambry Genetics
Classification: Uncertain significance for Inborn genetic diseases. Last evaluated: 2025-03-07. Review status: criteria provided, single submitter. Criteria: Ambry Variant Classification Scheme 2023. Collection method: clinical testing. Allele origin: germline.

PreventionGenetics, part of Exact Sciences
Classification: Uncertain significance for NR3C1-related condition. Last evaluated: 2022-08-29. Review status: criteria provided, single submitter. Criteria: ACMG Guidelines, 2015. Collection method: clinical testing. Allele origin: germline.
Comment: The NR3C1 c.1693A>G variant is predicted to result in the amino acid substitution p.Met565Val. To our knowledge, this variant has not been reported in the literature or in a large population database, indicating this variant is rare. At this time, the clinical significance of this variant is uncertain due to the absence of conclusive functional and genetic evidence.

NM_000176.3(NR3C1):c.1693A>G (p.Met565Val)

Gene: NR3C1 (nuclear receptor subfamily 3 group C member 1; minus strand). Cytogenetic location: 5q31.3.
Variant type: single nucleotide variant.
Coding change: c.1693A>G on transcript NM_000176.3 (MANE Select); coding-DNA position 1693, A replaced by G.
Protein change: p.Met565Val; replaces methionine 565 with valine.
Molecular consequence: missense variant. On other transcripts: non-coding transcript variant (1).
Genome position (GRCh38, 1-based): chr5:143,300,539, T>C on the plus strand (A>G on the coding strand, the complement: NR3C1 is on the minus strand). VCF-style: chr5-143300539-T-C. GRCh37 (hg19) VCF-style: chr5-142680104-T-C.
Other names: c.1693A>G, p.Met565Val (NM_001018074.1, NM_001018075.1, NM_001018076.2 and 6 more transcripts); c.1696A>G, p.Met566Val (NM_001024094.2, NM_001364183.2, NM_001364184.2 and 1 more transcripts); c.1615A>G, p.Met539Val (NM_001204258.2); c.1438A>G, p.Met480Val (NM_001204259.2); c.1426A>G, p.Met476Val (NM_001204260.2); c.1402A>G, p.Met468Val (NM_001204261.2); c.748A>G, p.Met250Val (NM_001204262.2); c.703A>G, p.Met235Val (NM_001204263.2); and 1 more; short protein forms M230V, M235V, M250V, M468V, M476V, M480V, M539V, M565V.
Identifiers: ClinVar variation 2636367 (VCV002636367.2), dbSNP rs2540766684, ClinGen allele CA361869923.